The following is an entry in ClinVar:

ClinVar aggregate classification (germline): Uncertain significance (1 of 4 stars; one submission).

Conditions:
Hereditary cancer-predisposing syndrome. Also called: Neoplastic Syndromes, Hereditary; Hereditary Cancer Syndrome; Hereditary neoplastic syndrome; Tumor predisposition. Identifiers: Orphanet 140162, MedGen C0027672, MeSH D009386, MONDO:0015356.

Submission:

Labcorp Genetics (formerly Invitae), Labcorp
Classification: Uncertain significance for Hereditary cancer-predisposing syndrome. Last evaluated: 2022-03-10. Review status: criteria provided, single submitter. Criteria: Invitae Variant Classification Sherloc (09022015). Collection method: clinical testing. Allele origin: germline.
Comment: This sequence change replaces glutamine, which is neutral and polar, with histidine, which is basic and polar, at codon 194 of the RAD50 protein (p.Gln194His). This variant is not present in population databases (gnomAD no frequency). In summary, the available evidence is currently insufficient to determine the role of this variant in disease. Therefore, it has been classified as a Variant of Uncertain Significance. Algorithms developed to predict the effect of sequence changes on RNA splicing suggest that this variant may disrupt the consensus splice site. Algorithms developed to predict the effect of missense changes on protein structure and function are either unavailable or do not agree on the potential impact of this missense change (SIFT: "Tolerated"; PolyPhen-2: "Possibly Damaging"; Align-GVGD: "Class C0"). This variant has not been reported in the literature in individuals affected with RAD50-related conditions.

NM_005732.4(RAD50):c.582G>C (p.Gln194His)

Gene: RAD50 (RAD50 double strand break repair protein; plus strand). Cytogenetic location: 5q31.1.
Variant type: single nucleotide variant.
Coding change: c.582G>C on transcript NM_005732.4 (MANE Select); coding-DNA position 582, G replaced by C.
Protein change: p.Gln194His; replaces glutamine 194 with histidine.
Molecular consequence: missense variant.
Genome position (GRCh38, 1-based): chr5:132,579,892, G>C. VCF-style: chr5-132579892-G-C. GRCh37 (hg19) VCF-style: chr5-131915584-G-C.
Other names: short protein forms Q194H.
Identifiers: ClinVar variation 2105745 (VCV002105745.4), dbSNP rs1750473442, ClinGen allele CA360935607.